The following is an entry in ClinVar:

NM_206933.4(USH2A):c.3754C>A (p.Gln1252Lys)

Genes: USH2A (usherin; minus strand), USH2A-AS1 (USH2A antisense RNA 1; plus strand). Cytogenetic location: 1q41.
Variant type: single nucleotide variant.
Coding change: c.3754C>A on transcript NM_206933.4 (MANE Select); coding-DNA position 3754, C replaced by A.
Protein change: p.Gln1252Lys; replaces glutamine 1252 with lysine.
Molecular consequence: missense variant.
Genome position (GRCh38, 1-based): chr1:216,199,684, G>T on the plus strand (C>A on the coding strand, the complement: USH2A is on the minus strand). VCF-style: chr1-216199684-G-T. GRCh37 (hg19) VCF-style: chr1-216373026-G-T.
Other names: c.3754C>A, p.Gln1252Lys (NM_007123.6); short protein forms Q1252K.
Identifiers: ClinVar variation 5017361 (VCV005017361.1).

ClinVar aggregate classification (germline): Uncertain significance (1 of 4 stars; one submission).

gnomAD v4.1: 3 of 1,614,062 alleles (0.00019%); highest among the groups gnomAD compares: Non-Finnish European, 0.00025%; no homozygotes.

Submission:

GeneDx
Classification: Uncertain significance. Last evaluated: 2026-03-23. Review status: criteria provided, single submitter. Criteria: GeneDx Variant Classification Process June 2021. Collection method: clinical testing. Allele origin: germline.
Comment: Not observed at significant frequency in large population cohorts (gnomAD); In silico analysis suggests that this missense variant does not alter protein structure/function; Has not been previously published as pathogenic or benign to our knowledge